The following is an entry in ClinVar:

NM_000059.4(BRCA2):c.3594T>G (p.Asn1198Lys)

Gene: BRCA2 (BRCA2 DNA repair associated; plus strand). Cytogenetic location: 13q13.1.
Variant type: single nucleotide variant.
Coding change: c.3594T>G on transcript NM_000059.4 (MANE Select); coding-DNA position 3594, T replaced by G.
Protein change: p.Asn1198Lys; replaces asparagine 1198 with lysine.
Molecular consequence: missense variant. On other transcripts: non-coding transcript variant (1), intron variant (2).
Genome position (GRCh38, 1-based): chr13:32,337,949, T>G. VCF-style: chr13-32337949-T-G. GRCh37 (hg19) VCF-style: chr13-32912086-T-G.
Other names: c.3594T>G, p.Asn1198Lys (NM_001406719.1, NM_001406720.1); c.1909+4562T>G (NM_001406721.1); c.425-6609T>G (NM_001406722.1); short protein forms N1198K.
Identifiers: ClinVar variation 2737325 (VCV002737325.4), dbSNP rs2137498156, ClinGen allele CA387777455.

ClinVar aggregate classification (germline): Uncertain significance. Review status: criteria provided, multiple submitters, no conflicts (2 of 4 stars). 2 submissions from 2 submitters: Uncertain significance (2). Last evaluated 2025-04-07.

Conditions:
Hereditary cancer-predisposing syndrome. Also called: Tumor predisposition; Hereditary Cancer Syndrome; Neoplastic Syndromes, Hereditary; Hereditary neoplastic syndrome. Identifiers: Orphanet 140162, MedGen C0027672, MeSH D009386, MONDO:0015356.
Hereditary breast ovarian cancer syndrome. Also called: BRCA1- and BRCA2-Associated Hereditary Breast and Ovarian Cancer; Hereditary breast and/or ovarian cancer syndrome; Hereditary breast and ovarian cancer; Hereditary breast and ovarian cancer syndrome (HBOC); Breast and ovarian cancer; Hereditary breast and ovarian cancer syndrome. Identifiers: Orphanet 145, MedGen C0677776, MeSH D061325, MONDO:0003582. Disease mechanism: loss of function.

Submissions (2):

Ambry Genetics
Classification: Uncertain significance for Hereditary cancer-predisposing syndrome. Last evaluated: 2025-04-07. Review status: criteria provided, single submitter. Criteria: Ambry Variant Classification Scheme 2023. Collection method: clinical testing. Allele origin: germline.
Comment: The p.N1198K variant (also known as c.3594T>G), located in coding exon 10 of the BRCA2 gene, results from a T to G substitution at nucleotide position 3594. The asparagine at codon 1198 is replaced by lysine, an amino acid with similar properties. This amino acid position is conserved. In addition, this alteration is predicted to be tolerated by in silico analysis. Based on the available evidence, the clinical significance of this variant remains unclear.

Labcorp Genetics (formerly Invitae), Labcorp
Classification: Uncertain significance for Hereditary breast ovarian cancer syndrome. Last evaluated: 2023-07-07. Review status: criteria provided, single submitter. Criteria: Invitae Variant Classification Sherloc (09022015). Collection method: clinical testing. Allele origin: germline.
Comment: In summary, the available evidence is currently insufficient to determine the role of this variant in disease. Therefore, it has been classified as a Variant of Uncertain Significance. Advanced modeling of protein sequence and biophysical properties (such as structural, functional, and spatial information, amino acid conservation, physicochemical variation, residue mobility, and thermodynamic stability) performed at Invitae indicates that this missense variant is not expected to disrupt BRCA2 protein function. This variant has not been reported in the literature in individuals affected with BRCA2-related conditions. This variant is not present in population databases (gnomAD no frequency). This sequence change replaces asparagine, which is neutral and polar, with lysine, which is basic and polar, at codon 1198 of the BRCA2 protein (p.Asn1198Lys).